The following is an entry in ClinVar:

NM_000368.5(TSC1):c.96C>A (p.Asn32Lys)

Gene: TSC1 (TSC complex subunit 1; minus strand). Cytogenetic location: 9q34.13.
Variant type: single nucleotide variant.
Coding change: c.96C>A on transcript NM_000368.5 (MANE Select); coding-DNA position 96, C replaced by A.
Protein change: p.Asn32Lys; replaces asparagine 32 with lysine.
Molecular consequence: missense variant. On other transcripts: 5 prime UTR variant (1).
Genome position (GRCh38, 1-based): chr9:132,928,777, G>T on the plus strand (C>A on the coding strand, the complement: TSC1 is on the minus strand). VCF-style: chr9-132928777-G-T. GRCh37 (hg19) VCF-style: chr9-135804164-G-T.
Other names: c.96C>A, p.Asn32Lys (NM_001162426.2, NM_001162427.2); c.-164C>A (NM_001362177.2); short protein forms N32K.
Identifiers: ClinVar variation 823420 (VCV000823420.4), dbSNP rs1588363242, ClinGen allele CA375375274.

ClinVar aggregate classification (germline): Uncertain significance (1 of 4 stars; one submission).

Conditions:
Hereditary cancer-predisposing syndrome. Also called: Tumor predisposition; Hereditary Cancer Syndrome; Neoplastic Syndromes, Hereditary; Hereditary neoplastic syndrome. Identifiers: Orphanet 140162, MedGen C0027672, MeSH D009386, MONDO:0015356.

Submission:

Ambry Genetics
Classification: Uncertain significance for Hereditary cancer-predisposing syndrome. Last evaluated: 2019-11-11. Review status: criteria provided, single submitter. Criteria: Ambry Variant Classification Scheme 2023. Collection method: clinical testing. Allele origin: germline.
Comment: The p.N32K variant (also known as c.96C>A), located in coding exon 1 of the TSC1 gene, results from a C to A substitution at nucleotide position 96. The asparagine at codon 32 is replaced by lysine, an amino acid with similar properties. This amino acid position is not well conserved in available vertebrate species. In addition, the in silico prediction for this alteration is inconclusive. Since supporting evidence is limited at this time, the clinical significance of this alteration remains unclear.